The following is an entry in ClinVar:

NM_002351.5(SH2D1A):c.201+2T>C

Gene: SH2D1A (SH2 domain containing 1A; plus strand). Cytogenetic location: Xq25.
Variant type: single nucleotide variant.
Coding change: c.201+2T>C on transcript NM_002351.5 (MANE Select); the canonical splice donor site of the intron after coding-DNA position 201, T replaced by C.
Molecular consequence: splice donor variant.
Genome position (GRCh38, 1-based): chrX:124,365,826, T>C. VCF-style: chrX-124365826-T-C. GRCh37 (hg19) VCF-style: chrX-123499676-T-C.
Other names: c.201+2T>C (NM_001114937.3).
Identifiers: ClinVar variation 1518501 (VCV001518501.8), dbSNP rs2147531379, ClinGen allele CA414123730.
Genomic context (GRCh38, chrX:124,365,826, plus strand): 5'-ACGGTTACATTTATACATACCGAGTGTCCCAGACAGAAACAGGTTCTTGGAGTGCTGAGG[T>C]ATAGTTGTATTTATTTTTGCTTCTGGGGGTGTCAAGGAGGTATTTGAAATTTAGGCTGGT-3'

ClinVar aggregate classification (germline): Pathogenic (1 of 4 stars; one submission).

Conditions:
X-linked lymphoproliferative disease due to SH2D1A deficiency (XLP1). Also called: DUNCAN DISEASE; SH2D1A-Related Lymphoproliferative Disease, X-Linked; IMMUNODEFICIENCY 5; IMMUNODEFICIENCY, X-LINKED PROGRESSIVE COMBINED VARIABLE; INFECTIOUS MONONUCLEOSIS, SEVERE, SUSCEPTIBILITY TO; PURTILO SYNDROME. Identifiers: Orphanet 2442, Orphanet 538931, MedGen C5399825, MONDO:0024551, OMIM 308240.

Submission:

Labcorp Genetics (formerly Invitae), Labcorp
Classification: Pathogenic for X-linked lymphoproliferative disease due to SH2D1A deficiency. Last evaluated: 2025-01-15. Review status: criteria provided, single submitter. Criteria: Invitae Variant Classification Sherloc (09022015). Collection method: clinical testing. Allele origin: germline.
Comment: This sequence change affects a donor splice site in intron 2 of the SH2D1A gene. It is expected to disrupt RNA splicing. Variants that disrupt the donor or acceptor splice site typically lead to a loss of protein function (PMID: 16199547), and loss-of-function variants in SH2D1A are known to be pathogenic (PMID: 9771704, 11049992, 15711562). This variant is not present in population databases (gnomAD no frequency). Disruption of this splice site has been observed in individuals with clinical features of SH2D1A-related conditions (PMID: 20632414; internal data). ClinVar contains an entry for this variant (Variation ID: 1518501). Algorithms developed to predict the effect of sequence changes on RNA splicing suggest that this variant may disrupt the consensus splice site. For these reasons, this variant has been classified as Pathogenic.

Literature cited by the submitters: PubMed 16199547; PubMed 9771704; PubMed 11049992; PubMed 15711562; PubMed 20632414.